The following is an entry in ClinVar:

ClinVar aggregate classification (germline): Uncertain significance (1 of 4 stars; one submission).

Submission:

GeneDx
Classification: Uncertain significance. Last evaluated: 2024-07-06. Review status: criteria provided, single submitter. Criteria: GeneDx Variant Classification Process June 2021. Collection method: clinical testing. Allele origin: germline. Affected: yes.
Comment: Not observed at significant frequency in large population cohorts (gnomAD); In silico analysis indicates that this missense variant does not alter protein structure/function; Has not been previously published as pathogenic or benign to our knowledge

NM_006734.4(HIVEP2):c.4588A>G (p.Ser1530Gly)

Gene: HIVEP2 (HIVEP zinc finger 2; minus strand). Cytogenetic location: 6q24.2.
Variant type: single nucleotide variant.
Coding change: c.4588A>G on transcript NM_006734.4 (MANE Select); coding-DNA position 4588, A replaced by G.
Protein change: p.Ser1530Gly; replaces serine 1530 with glycine.
Molecular consequence: missense variant.
Genome position (GRCh38, 1-based): chr6:142,770,151, T>C on the plus strand (A>G on the coding strand, the complement: HIVEP2 is on the minus strand). VCF-style: chr6-142770151-T-C. GRCh37 (hg19) VCF-style: chr6-143091288-T-C.
Other names: short protein forms S1530G.
Identifiers: ClinVar variation 3393670 (VCV003393670.1).